The following is an entry in ClinVar:

NM_052947.4(ALPK2):c.1732A>C (p.Ser578Arg)

Gene: ALPK2 (alpha kinase 2; minus strand). Cytogenetic location: 18q21.31.
Variant type: single nucleotide variant.
Coding change: c.1732A>C on transcript NM_052947.4 (MANE Select); coding-DNA position 1732, A replaced by C.
Protein change: p.Ser578Arg; replaces serine 578 with arginine.
Molecular consequence: missense variant.
Genome position (GRCh38, 1-based): chr18:58,579,044, T>G on the plus strand (A>C on the coding strand, the complement: ALPK2 is on the minus strand). VCF-style: chr18-58579044-T-G. GRCh37 (hg19) VCF-style: chr18-56246276-T-G.
Other names: short protein forms S578R.
Identifiers: ClinVar variation 1779010 (VCV001779010.2), dbSNP rs750633796, ClinGen allele CA8977196.

ClinVar aggregate classification (germline): Uncertain significance (1 of 4 stars; one submission).

Allele frequency attached by ClinVar (database versions not stated): ExAC 0.00001; gnomAD exomes 0.00001.
gnomAD v4.1: 3 of 1,614,220 alleles (0.00019%); highest among the groups gnomAD compares: Admixed American, 0.0033%; no homozygotes.

Submission:

Ambry Genetics
Classification: Uncertain significance. Last evaluated: 2024-01-30. Review status: criteria provided, single submitter. Criteria: Ambry Variant Classification Scheme 2023. Collection method: clinical testing. Allele origin: germline.
Comment: The p.S578R variant (also known as c.1732A>C), located in coding exon 3 of the ALPK2 gene, results from an A to C substitution at nucleotide position 1732. The serine at codon 578 is replaced by arginine, an amino acid with dissimilar properties. This amino acid position is conserved. In addition, this alteration is predicted to be tolerated by in silico analysis. Since supporting evidence is limited at this time, the clinical significance of this alteration remains unclear.